The following is an entry in ClinVar:

ClinVar aggregate classification (germline): Likely pathogenic (1 of 4 stars; one submission).

Conditions:
FGG-related disorder. Also called: FGG-related condition.

Submission:

PreventionGenetics, part of Exact Sciences
Classification: Likely pathogenic for FGG-related condition. Last evaluated: 2024-10-21. Review status: criteria provided, single submitter. Criteria: ACMG Guidelines, 2015. Collection method: clinical testing. Allele origin: germline.
Comment: The FGG c.944C>A variant is predicted to result in the amino acid substitution p.Ala315Asp. This variant is alternatively referred to as mature protein p.Ala289Asp using legacy nomenclature. This variant was reported in a father and daughter with dysfibrinogenemia and not noted in the unaffected mother (Smith et al. 2018. PubMed ID: 30349899). This variant is interpreted as disease causing by the Fibrinogen Database of the French Group of studies on Hemostasis and Thrombosis (GEHT, Richard et al. 2022. PubMed ID: 35073585). An alternate nucleotide change affecting the same amino acid (p.Ala315Val, alternately referred to as mature protein p.Ala289Val) has been reported in multiple individuals affected with dysfibrinogenemia (See for example, Dear et al. 2004. PubMed ID: 15583736; Kagami et al. 2016. PubMed ID: 27005882; Kaido et al. 2020. PubMed ID: 3195796). The c.944C>A variant has not been reported in a large population database (gnomAD), indicating this variant is rare. This variant is interpreted as likely pathogenic.

NM_021870.3(FGG):c.944C>A (p.Ala315Asp)

Gene: FGG (fibrinogen gamma chain; minus strand). Cytogenetic location: 4q32.1.
Variant type: single nucleotide variant.
Coding change: c.944C>A on transcript NM_021870.3 (MANE Select); coding-DNA position 944, C replaced by A.
Protein change: p.Ala315Asp; replaces alanine 315 with aspartic acid.
Molecular consequence: missense variant.
Genome position (GRCh38, 1-based): chr4:154,606,890, G>T on the plus strand (C>A on the coding strand, the complement: FGG is on the minus strand). VCF-style: chr4-154606890-G-T. GRCh37 (hg19) VCF-style: chr4-155528042-G-T.
Other names: c.944C>A, p.Ala315Asp (NM_000509.6); short protein forms A315D.
Identifiers: ClinVar variation 4998826 (VCV004998826.1).
Genomic context (GRCh38, chr4:154,606,890, plus strand): 5'-CCATTATGGGATGTGAAAAACTTGTCACTAGGATCATCGCCAAAATCAAAGCCATCAAAG[G>T]CATCTCCAGCATCCCCACCAGCGAAGTAGGCATATGTTAGGCGGTACTTGTCAGCTTCAG-3'
Protein context (NP_068656.2, residues 305-325): AYFAGGDAGD[Ala315Asp]FDGFDFGDDP